The following is an entry in ClinVar:

ClinVar aggregate classification (germline): Likely pathogenic (1 of 4 stars; one submission).

Conditions:
X-linked Alport syndrome (ATS1). Also called: NEPHROPATHY AND DEAFNESS, X-LINKED; COL4A5-Related Nephropathy. Identifiers: Orphanet 63, Orphanet 88917, MedGen C4746986, MONDO:0010520, OMIM 301050.

gnomAD v4.1: 13 of 1,174,040 alleles (0.0011%); highest among the groups gnomAD compares: South Asian, 0.0018%; no homozygotes.

Submission:

Natera, Inc.
Classification: Likely pathogenic for X-linked Alport syndrome. Last evaluated: 2024-04-30. Review status: criteria provided, single submitter. Criteria: Natera Variant Classification Schema (03/2026). Collection method: clinical testing. Allele origin: germline.
Comment: The c.2228G>C variant in COL4A5 is a missense variant predicted to cause substitution of glycine to alanine at amino acid 743. This variant is rare in the general population with a frequency below the threshold expected for the associated phenotype(s). This variant is located in a functionally critical region of the protein. A different variant at the same position has been determined to be Pathogenic or Likely Pathogenic. Computational prediction algorithms indicate this variant is likely to affect gene or protein function. Given the available evidence, this variant is classified as Likely Pathogenic.

NM_033380.3(COL4A5):c.2228G>C (p.Gly743Ala)

Gene: COL4A5 (collagen type IV alpha 5 chain; plus strand). Cytogenetic location: Xq22.3.
Variant type: single nucleotide variant.
Coding change: c.2228G>C on transcript NM_033380.3 (MANE Select); coding-DNA position 2228, G replaced by C.
Protein change: p.Gly743Ala; replaces glycine 743 with alanine.
Molecular consequence: missense variant.
Genome position (GRCh38, 1-based): chrX:108,603,045, G>C. VCF-style: chrX-108603045-G-C. GRCh37 (hg19) VCF-style: chrX-107846275-G-C.
Other names: c.2228G>C, p.Gly743Ala (NM_000495.5); short protein forms G743A.
Identifiers: ClinVar variation 4818581 (VCV004818581.1).